The following is an entry in ClinVar:

ClinVar aggregate classification (germline): Uncertain significance (1 of 4 stars; one submission).

Conditions:
Hereditary cancer-predisposing syndrome. Also called: Neoplastic Syndromes, Hereditary; Tumor predisposition; Hereditary neoplastic syndrome; Hereditary Cancer Syndrome. Identifiers: Orphanet 140162, MedGen C0027672, MeSH D009386, MONDO:0015356.

Submission:

Ambry Genetics
Classification: Uncertain significance for Hereditary cancer-predisposing syndrome. Last evaluated: 2023-11-22. Review status: criteria provided, single submitter. Criteria: Ambry Variant Classification Scheme 2023. Collection method: clinical testing. Allele origin: germline.
Comment: The p.D1994A variant (also known as c.5981A>C), located in coding exon 15 of the APC gene, results from an A to C substitution at nucleotide position 5981. The aspartic acid at codon 1994 is replaced by alanine, an amino acid with dissimilar properties. This amino acid position is conserved. In addition, in silico predictors for this gene do not accurately predict pathogenicity. Since supporting evidence is limited at this time, the clinical significance of this alteration remains unclear.

NM_000038.6(APC):c.5981A>C (p.Asp1994Ala)

Gene: APC (APC regulator of Wnt signaling pathway; plus strand). Cytogenetic location: 5q22.2.
Variant type: single nucleotide variant.
Coding change: c.5981A>C on transcript NM_000038.6 (MANE Select); coding-DNA position 5981, A replaced by C.
Protein change: p.Asp1994Ala; replaces aspartic acid 1994 with alanine.
Molecular consequence: missense variant. On other transcripts: non-coding transcript variant (2).
Genome position (GRCh38, 1-based): chr5:112,841,575, A>C. VCF-style: chr5-112841575-A-C. GRCh37 (hg19) VCF-style: chr5-112177272-A-C.
Other names: c.4829A>C, p.Asp1610Ala (NM_001407472.1, NM_001407471.1); c.5981A>C, p.Asp1994Ala (NM_001127510.3, NM_001354895.2, NM_001407450.1); c.5927A>C, p.Asp1976Ala (NM_001127511.3); c.6035A>C, p.Asp2012Ala (NM_001354896.2, NM_001407447.1, NM_001407448.1 and 1 more transcripts); c.6011A>C, p.Asp2004Ala (NM_001354897.2); c.5906A>C, p.Asp1969Ala (NM_001354898.2); c.5897A>C, p.Asp1966Ala (NM_001354899.2); c.5858A>C, p.Asp1953Ala (NM_001354900.2); and 11 more; short protein forms D1610A, D1711A, D1834A, D1865A, D1868A, D1893A, D1903A, D1911A.
Identifiers: ClinVar variation 3230821 (VCV003230821.1), dbSNP rs774815653, ClinGen allele CA16034424.
Genomic context (GRCh38, chr5:112,841,575, plus strand): 5'-ACATTGACCAAGAAAACAACAATAAAGAAAATGAACCTATCAAAGAGACTGAGCCCCCTG[A>C]CTCACAGGGAGAACCAAGTAAACCTCAAGCATCAGGCTATGCTCCTAAATCATTTCATGT-3'
Protein context (NP_000029.2, residues 1984-2004): NEPIKETEPP[Asp1994Ala]SQGEPSKPQA